The following is an entry in ClinVar:

NM_001267550.2(TTN):c.101978G>A (p.Ser33993Asn)

Genes: TTN (titin; minus strand), TTN-AS1 (TTN antisense RNA 1; plus strand). Cytogenetic location: 2q31.2.
Variant type: single nucleotide variant.
Coding change: c.101978G>A on transcript NM_001267550.2 (MANE Select); coding-DNA position 101978, G replaced by A.
Protein change: p.Ser33993Asn; replaces serine 33993 with asparagine.
Molecular consequence: missense variant.
Genome position (GRCh38, 1-based): chr2:178,534,637, C>T on the plus strand (G>A on the coding strand, the complement: TTN is on the minus strand). VCF-style: chr2-178534637-C-T. GRCh37 (hg19) VCF-style: chr2-179399364-C-T.
Other names: c.97055G>A, p.Ser32352Asn (NM_001256850.1); c.74783G>A, p.Ser24928Asn (NM_003319.4); c.94274G>A, p.Ser31425Asn (NM_133378.4); c.75158G>A, p.Ser25053Asn (NM_133432.3); c.75359G>A, p.Ser25120Asn (NM_133437.4); short protein forms S24928N, S25053N, S25120N, S31425N, S32352N, S33993N.
Identifiers: ClinVar variation 2651581 (VCV002651581.27), dbSNP rs2468543053, ClinGen allele CA349418687.

ClinVar aggregate classification (germline): Uncertain significance. Review status: criteria provided, multiple submitters, no conflicts (2 of 4 stars). 2 submissions from 2 submitters: Uncertain significance (2). Last evaluated 2023-09-03.

Conditions:
Autosomal recessive limb-girdle muscular dystrophy type 2J (LGMDR10). Also called: Limb-girdle muscular dystrophy, type 2J; MUSCULAR DYSTROPHY, LIMB-GIRDLE, AUTOSOMAL RECESSIVE 10. Identifiers: Orphanet 140922, MedGen C1837342, MONDO:0012127, OMIM 608807.
Dilated cardiomyopathy 1G (CMD1G). Identifiers: Orphanet 154, MedGen C1858763, MONDO:0011400, OMIM 604145.

Allele frequency attached by ClinVar (database versions not stated): gnomAD exomes below 0.00001.
gnomAD v4.1: 1 of 1,613,594 alleles (0.000062%); highest among the groups gnomAD compares: Non-Finnish European, 0.000085%; no homozygotes.

Submissions (2):

Labcorp Genetics (formerly Invitae), Labcorp
Classification: Uncertain significance for Dilated cardiomyopathy 1G; Autosomal recessive limb-girdle muscular dystrophy type 2J. Last evaluated: 2023-09-03. Review status: criteria provided, single submitter. Criteria: Invitae Variant Classification Sherloc (09022015). Collection method: clinical testing. Allele origin: germline.
Comment: Experimental studies and prediction algorithms are not available or were not evaluated, and the functional significance of this variant is currently unknown. This variant has not been reported in the literature in individuals affected with TTN-related conditions. This variant is not present in population databases (gnomAD no frequency). This sequence change replaces serine, which is neutral and polar, with asparagine, which is neutral and polar, at codon 33993 of the TTN protein (p.Ser33993Asn). In summary, the available evidence is currently insufficient to determine the role of this variant in disease. Therefore, it has been classified as a Variant of Uncertain Significance.

CeGaT Center for Human Genetics Tuebingen
Classification: Uncertain significance. Last evaluated: 2023-05-01. Review status: criteria provided, single submitter. Criteria: CeGaT Center For Human Genetics Tuebingen Variant Classification Criteria Version 2. Collection method: clinical testing. Allele origin: germline. Affected: yes. Observed: 1 variant allele.